The following is an entry in ClinVar:

ClinVar aggregate classification (germline): Pathogenic (1 of 4 stars; one submission).

Submission:

Labcorp Genetics (formerly Invitae), Labcorp
Classification: Pathogenic. Last evaluated: 2025-05-05. Review status: criteria provided, single submitter. Criteria: Invitae Variant Classification Sherloc (09022015). Collection method: clinical testing. Allele origin: germline.
Comment: This sequence change creates a premature translational stop signal (p.Gln643*) in the CNGB1 gene. It is expected to result in an absent or disrupted protein product. Loss-of-function variants in CNGB1 are known to be pathogenic (PMID: 15557452, 24043777). This variant is not present in population databases (gnomAD no frequency). This variant has not been reported in the literature in individuals affected with CNGB1-related conditions. ClinVar contains an entry for this variant (Variation ID: 2112552). For these reasons, this variant has been classified as Pathogenic.

Literature cited by the submitters: PubMed 15557452; PubMed 24043777.

NM_001297.5(CNGB1):c.1927C>T (p.Gln643Ter)

Gene: CNGB1 (cyclic nucleotide gated channel subunit beta 1; minus strand). Cytogenetic location: 16q21.
Variant type: single nucleotide variant.
Coding change: c.1927C>T on transcript NM_001297.5 (MANE Select); coding-DNA position 1927, C replaced by T.
Protein change: p.Gln643Ter; replaces glutamine 643 with a stop codon.
Molecular consequence: nonsense.
Genome position (GRCh38, 1-based): chr16:57,919,129, G>A on the plus strand (C>T on the coding strand, the complement: CNGB1 is on the minus strand). VCF-style: chr16-57919129-G-A. GRCh37 (hg19) VCF-style: chr16-57953033-G-A.
Other names: c.1909C>T, p.Gln637Ter (NM_001286130.2); short protein forms Q637*, Q643*.
Identifiers: ClinVar variation 2112552 (VCV002112552.4), dbSNP rs2544635088, ClinGen allele CA396065499.